The following is an entry in ClinVar:

NM_138694.4(PKHD1):c.11318G>T (p.Arg3773Ile)

Gene: PKHD1 (PKHD1 ciliary IPT domain containing fibrocystin/polyductin; minus strand). Cytogenetic location: 6p12.3.
Variant type: single nucleotide variant.
Coding change: c.11318G>T on transcript NM_138694.4 (MANE Select); coding-DNA position 11318, G replaced by T.
Protein change: p.Arg3773Ile; replaces arginine 3773 with isoleucine.
Molecular consequence: missense variant.
Genome position (GRCh38, 1-based): chr6:51,648,111, C>A on the plus strand (G>T on the coding strand, the complement: PKHD1 is on the minus strand). VCF-style: chr6-51648111-C-A. GRCh37 (hg19) VCF-style: chr6-51512909-C-A.
Other names: short protein forms R3773I.
Identifiers: ClinVar variation 699508 (VCV000699508.13), dbSNP rs200114268, ClinGen allele CA3850891.

ClinVar aggregate classification (germline): Likely benign. Review status: criteria provided, single submitter (1 of 4 stars). 2 submissions from 2 submitters: Likely benign (1). 1 of the submissions does not count toward it. Last evaluated 2025-01-30.

Conditions:
Autosomal recessive polycystic kidney disease (ARPKD). Also called: AR polycystic kidney disease. Identifiers: Orphanet 731, Orphanet 8378, MedGen C0085548, MeSH D017044, MONDO:0009889.
PKHD1-related disorder. Also called: PKHD1-related condition.

Allele frequency attached by ClinVar (database versions not stated): gnomAD 0.00006 and 0.00007; TOPMed 0.00006; 1000 Genomes Project 30x 0.00016; gnomAD exomes 0.00017; ExAC 0.00019; 1000 Genomes Project 0.00020.
gnomAD v4.1: 69 of 1,590,570 alleles (0.0043%); highest among the groups gnomAD compares: East Asian, 0.12%; no homozygotes.

Submissions (2):

Labcorp Genetics (formerly Invitae), Labcorp
Classification: Likely benign for Autosomal recessive polycystic kidney disease. Last evaluated: 2025-01-30. Review status: criteria provided, single submitter. Criteria: Invitae Variant Classification Sherloc (09022015). Collection method: clinical testing. Allele origin: germline.

PreventionGenetics, part of Exact Sciences
Classification: Likely benign for PKHD1-related condition. Last evaluated: 2024-05-30. Review status: no assertion criteria provided. Collection method: clinical testing. Allele origin: germline. Not counted in ClinVar's aggregate classification.
Comment: This variant is classified as likely benign based on ACMG/AMP sequence variant interpretation guidelines (Richards et al. 2015 PMID: 25741868, with internal and published modifications).